The following is an entry in ClinVar:

NM_004444.5(EPHB4):c.1461G>A (p.Thr487=)

Gene: EPHB4 (EPH receptor B4; minus strand). Cytogenetic location: 7q22.1.
Variant type: single nucleotide variant.
Coding change: c.1461G>A on transcript NM_004444.5 (MANE Select); coding-DNA position 1461, G replaced by A.
Protein change: p.Thr487=; no amino-acid change (threonine 487 retained).
Molecular consequence: synonymous variant.
Genome position (GRCh38, 1-based): chr7:100,817,319, C>T on the plus strand (G>A on the coding strand, the complement: EPHB4 is on the minus strand). VCF-style: chr7-100817319-C-T. GRCh37 (hg19) VCF-style: chr7-100414941-C-T.
Other names: p.Thr487=.
Identifiers: ClinVar variation 1773169 (VCV001773169.4), dbSNP rs375034189, ClinGen allele CA4392971.

ClinVar aggregate classification (germline): Likely benign. Review status: criteria provided, multiple submitters, no conflicts (2 of 4 stars). 3 submissions from 3 submitters: Likely benign (3). Last evaluated 2026-01-27.

Conditions:
Cardiovascular phenotype. Identifiers: MedGen CN230736.

Allele frequency attached by ClinVar (database versions not stated): TOPMed 0.00003; gnomAD 0.00004; ESP Exome Variant Server 0.00008; ExAC 0.00011; gnomAD exomes 0.00012; 1000 Genomes Project 30x 0.00016.
gnomAD v4.1: 173 of 1,589,196 alleles (0.011%); highest among the groups gnomAD compares: Non-Finnish European, 0.014%; no homozygotes.

Submissions (3):

Labcorp Genetics (formerly Invitae), Labcorp
Classification: Likely benign. Last evaluated: 2026-01-27. Review status: criteria provided, single submitter. Criteria: Invitae Variant Classification Sherloc (09022015). Collection method: clinical testing. Allele origin: germline.

Mayo Clinic Laboratories, Mayo Clinic
Classification: Likely benign. Last evaluated: 2025-10-16. Review status: criteria provided, single submitter. Criteria: ACMG Guidelines, 2015. Collection method: clinical testing. Allele origin: germline. Observed: 1 variant allele.
Comment: BP4, BP7

Ambry Genetics
Classification: Likely benign for Cardiovascular phenotype. Last evaluated: 2020-11-09. Review status: criteria provided, single submitter. Criteria: Ambry Variant Classification Scheme 2023. Collection method: clinical testing. Allele origin: germline.